The following is an entry in ClinVar:

NM_000540.3(RYR1):c.4933C>T (p.Arg1645Trp)

Gene: RYR1 (ryanodine receptor 1; plus strand). Cytogenetic location: 19q13.2.
Variant type: single nucleotide variant.
Coding change: c.4933C>T on transcript NM_000540.3 (MANE Select); coding-DNA position 4933, C replaced by T.
Protein change: p.Arg1645Trp; replaces arginine 1645 with tryptophan.
Molecular consequence: missense variant.
Genome position (GRCh38, 1-based): chr19:38,483,515, C>T. VCF-style: chr19-38483515-C-T. GRCh37 (hg19) VCF-style: chr19-38974155-C-T.
Other names: c.4933C>T, p.Arg1645Trp (NM_001042723.2); short protein forms R1645W.
Identifiers: ClinVar variation 2170515 (VCV002170515.8), dbSNP rs1470156027, ClinGen allele CA405651118.

ClinVar aggregate classification (germline): Uncertain significance. Review status: criteria provided, multiple submitters, no conflicts (2 of 4 stars). 3 submissions from 3 submitters: Uncertain significance (3). Last evaluated 2023-05-04.

Conditions:
Malignant hyperthermia, susceptibility to, 1 (MHS1). Also called: RYR1-Related Malignant Hyperthermia Susceptibility; Malignant hyperthermia suceptibility 1; Anesthesia related hyperthermia; Malignant hyperpyrexia; Fulminating hyperpyrexia; Pharmacogenic myopathy. Identifiers: Orphanet 423, MedGen C2930980, MONDO:0007783, OMIM 145600.
RYR1-related disorder. Also called: RYR1-related condition; RYR1-related disorders. Identifiers: MedGen CN239331.

Allele frequency attached by ClinVar (database versions not stated): TOPMed below 0.00001; gnomAD 0.00001; gnomAD exomes 0.00001.
gnomAD v4.1: 4 of 1,544,906 alleles (0.00026%); highest among the groups gnomAD compares: South Asian, 0.0024%; no homozygotes.

Submissions (3):

All of Us Research Program, National Institutes of Health
Classification: Uncertain significance for Malignant hyperthermia, susceptibility to, 1. Last evaluated: 2023-05-04. Review status: criteria provided, single submitter. Criteria: ACMG Guidelines, 2015. Collection method: clinical testing. Allele origin: germline. Inheritance: Autosomal dominant inheritance. Observed: 1 variant allele, 1 heterozygote.
Comment: This missense variant replaces arginine with tryptophan at codon 1645 of the RYR1 protein. Computational prediction suggests that this variant may have deleterious impact on protein structure and function (internally defined REVEL score threshold >= 0.7, PMID: 27666373). To our knowledge, functional studies have not been reported for this variant. This variant has not been reported in individuals affected with RYR1-related disorders in the literature. This variant has been identified in 1/148148 chromosomes in the general population by the Genome Aggregation Database (gnomAD). The available evidence is insufficient to determine the role of this variant in disease conclusively. Therefore, this variant is classified as a Variant of Uncertain Significance.

This study involves interpretation of variants in research participants for the purpose of population health screening. Participant phenotype was not available at the time of variant classification. Additional details can be found in publication PMID: 35346344, PMCID: PMC8962531

Labcorp Genetics (formerly Invitae), Labcorp
Classification: Uncertain significance for RYR1-related disorder. Last evaluated: 2023-03-18. Review status: criteria provided, single submitter. Criteria: Invitae Variant Classification Sherloc (09022015). Collection method: clinical testing. Allele origin: germline.
Comment: In summary, the available evidence is currently insufficient to determine the role of this variant in disease. Therefore, it has been classified as a Variant of Uncertain Significance. This sequence change replaces arginine, which is basic and polar, with tryptophan, which is neutral and slightly polar, at codon 1645 of the RYR1 protein (p.Arg1645Trp). The frequency data for this variant in the population databases is considered unreliable, as metrics indicate poor data quality at this position in the gnomAD database. This variant has not been reported in the literature in individuals affected with RYR1-related conditions. ClinVar contains an entry for this variant (Variation ID: 2170515). An algorithm developed to predict the effect of missense changes on protein structure and function (PolyPhen-2) suggests that this variant is likely to be disruptive.

Revvity Omics, Revvity
Classification: Uncertain significance. Last evaluated: 2019-04-24. Review status: criteria provided, single submitter. Criteria: ACMG Guidelines, 2015. Collection method: clinical testing. Allele origin: germline.